The following is an entry in ClinVar:

ClinVar aggregate classification (germline): Uncertain significance. Review status: criteria provided, multiple submitters, no conflicts (2 of 4 stars). 2 submissions from 2 submitters: Uncertain significance (2). Last evaluated 2024-10-20.

Conditions:
POLE-related disorder. Also called: POLE-related disorders; POLE-related condition.

Allele frequency attached by ClinVar (database versions not stated): gnomAD exomes below 0.00001.
gnomAD v4.1: 2 of 1,591,302 alleles (0.00013%); highest among the groups gnomAD compares: Non-Finnish European, 0.00017%; no homozygotes.

Submissions (2):

Labcorp Genetics (formerly Invitae), Labcorp
Classification: Uncertain significance. Last evaluated: 2024-10-20. Review status: criteria provided, single submitter. Criteria: Invitae Variant Classification Sherloc (09022015). Collection method: clinical testing. Allele origin: germline.
Comment: This sequence change replaces proline, which is neutral and non-polar, with leucine, which is neutral and non-polar, at codon 677 of the POLE protein (p.Pro677Leu). This variant is not present in population databases (gnomAD no frequency). This variant has not been reported in the literature in individuals affected with POLE-related conditions. ClinVar contains an entry for this variant (Variation ID: 2631814). Invitae Evidence Modeling of protein sequence and biophysical properties (such as structural, functional, and spatial information, amino acid conservation, physicochemical variation, residue mobility, and thermodynamic stability) indicates that this missense variant is expected to disrupt POLE protein function with a positive predictive value of 80%. In summary, the available evidence is currently insufficient to determine the role of this variant in disease. Therefore, it has been classified as a Variant of Uncertain Significance.

PreventionGenetics, part of Exact Sciences
Classification: Uncertain significance for POLE-related condition. Last evaluated: 2023-07-07. Review status: criteria provided, single submitter. Criteria: ACMG Guidelines, 2015. Collection method: clinical testing. Allele origin: germline.
Comment: The POLE c.2030C>T variant is predicted to result in the amino acid substitution p.Pro677Leu. To our knowledge, this variant has not been reported in the literature or in a large population database, indicating this variant is rare. At this time, the clinical significance of this variant is uncertain due to the absence of conclusive functional and genetic evidence.

NM_006231.4(POLE):c.2030C>T (p.Pro677Leu)

Gene: POLE (DNA polymerase epsilon, catalytic subunit; minus strand). Cytogenetic location: 12q24.33.
Variant type: single nucleotide variant.
Coding change: c.2030C>T on transcript NM_006231.4 (MANE Select); coding-DNA position 2030, C replaced by T.
Protein change: p.Pro677Leu; replaces proline 677 with leucine.
Molecular consequence: missense variant.
Genome position (GRCh38, 1-based): chr12:132,668,499, G>A on the plus strand (C>T on the coding strand, the complement: POLE is on the minus strand). VCF-style: chr12-132668499-G-A. GRCh37 (hg19) VCF-style: chr12-133245085-G-A.
Other names: short protein forms P677L.
Identifiers: ClinVar variation 2631814 (VCV002631814.3), dbSNP rs2135976402, ClinGen allele CA387354458.